The following is an entry in ClinVar:

ClinVar aggregate classification (germline): Conflicting classifications of pathogenicity. Review status: criteria provided, conflicting classifications (1 of 4 stars). 8 submissions from 6 submitters: Uncertain significance (7); Likely benign (1). Last evaluated 2026-03-17.

Conditions:
Inborn genetic diseases. Identifiers: MedGen C0950123, MeSH D030342.
Hereditary spastic paraplegia 11. Also called: Spastic Paraplegia 11; Spastic paraplegia, mental retardation and thin corpus callosum; Nakamura Osame syndrome; Autosomal recessive hereditary spastic paraplegia, mental impairment, and thin corpus callosum; SPASTIC PARAPLEGIA, AUTOSOMAL RECESSIVE, COMPLICATED, WITH THIN CORPUS CALLOSUM; SPASTIC PARAPLEGIA, AUTOSOMAL RECESSIVE, WITH MENTAL IMPAIRMENT AND THIN CORPUS CALLOSUM. Identifiers: Orphanet 2822, MedGen C1858479, MONDO:0011445, OMIM 604360.
Amyotrophic lateral sclerosis type 5 (ALS5). Also called: AMYOTROPHIC LATERAL SCLEROSIS 5, JUVENILE. Identifiers: Orphanet 300605, MedGen C1865864, MONDO:0011196, OMIM 602099.
Charcot-Marie-Tooth disease axonal type 2X. Also called: CHARCOT-MARIE-TOOTH DISEASE, AXONAL, AUTOSOMAL RECESSIVE, TYPE 2X; CHARCOT-MARIE-TOOTH NEUROPATHY, TYPE 2X. Identifiers: Orphanet 466775, MedGen C5569024, MONDO:0014726, OMIM 616668.

Allele frequency attached by ClinVar (database versions not stated): gnomAD exomes 0.00002 and 0.00005; ExAC 0.00006; ESP Exome Variant Server 0.00015; 1000 Genomes Project 0.00020; gnomAD 0.00025 and 0.00029; TOPMed 0.00027; 1000 Genomes Project 30x 0.00031.
gnomAD v4.1: 67 of 1,614,062 alleles (0.0042%); highest among the groups gnomAD compares: African/African-American, 0.075%; no homozygotes.

Submissions (8):

Women's Health and Genetics/Laboratory Corporation of America, LabCorp
Classification: Uncertain significance. Last evaluated: 2026-03-17. Review status: criteria provided, single submitter. Criteria: LabCorp Variant Classification Summary - May 2015. Collection method: clinical testing. Allele origin: germline.
Comment: Variant summary: SPG11 c.1775C>T (p.Ser592Leu) results in a non-conservative amino acid change in the encoded protein sequence. Algorithms developed to predict the effect of missense changes on protein structure and function all suggest that this variant is likely to be disruptive. The variant allele was found at a frequency of 4.8e-05 in 251340 control chromosomes. This frequency is not significantly higher than estimated for disease-causing variants in SPG11, allowing no conclusion about variant significance. To our knowledge, no occurrence of c.1775C>T in individuals affected with SPG11-related conditions and no experimental evidence demonstrating its impact on protein function have been reported. ClinVar contains an entry for this variant (Variation ID: 655135). Based on the evidence outlined above, the variant was classified as uncertain significance.

Labcorp Genetics (formerly Invitae), Labcorp
Classification: Likely benign for Hereditary spastic paraplegia 11. Last evaluated: 2026-01-12. Review status: criteria provided, single submitter. Criteria: Invitae Variant Classification Sherloc (09022015). Collection method: clinical testing. Allele origin: germline.

GeneDx
Classification: Uncertain significance. Last evaluated: 2025-01-07. Review status: criteria provided, single submitter. Criteria: GeneDx Variant Classification Process June 2021. Collection method: clinical testing. Allele origin: germline. Affected: yes.
Comment: In silico analysis supports that this missense variant has a deleterious effect on protein structure/function; Has not been previously published as pathogenic or benign to our knowledge

Ambry Genetics
Classification: Uncertain significance for Inborn genetic diseases. Last evaluated: 2024-07-31. Review status: criteria provided, single submitter. Criteria: Ambry Variant Classification Scheme 2023. Collection method: clinical testing. Allele origin: germline.

Athena Diagnostics
Classification: Uncertain significance. Last evaluated: 2022-03-01. Review status: criteria provided, single submitter. Criteria: Athena Diagnostics Criteria. Collection method: clinical testing. Allele origin: unknown.

Genome-Nilou Lab
Classification: Uncertain significance for Amyotrophic lateral sclerosis type 5. Review status: criteria provided, single submitter. Criteria: ACMG Guidelines, 2015. Collection method: clinical testing. Allele origin: germline.

Genome-Nilou Lab
Classification: Uncertain significance for Charcot-Marie-Tooth disease axonal type 2X. Review status: criteria provided, single submitter. Criteria: ACMG Guidelines, 2015. Collection method: clinical testing. Allele origin: germline.

Genome-Nilou Lab
Classification: Uncertain significance for Hereditary spastic paraplegia 11. Review status: criteria provided, single submitter. Criteria: ACMG Guidelines, 2015. Collection method: clinical testing. Allele origin: germline.

NM_025137.4(SPG11):c.1775C>T (p.Ser592Leu)

Gene: SPG11 (SPG11 vesicle trafficking associated, spatacsin; minus strand). Cytogenetic location: 15q21.1.
Variant type: single nucleotide variant.
Coding change: c.1775C>T on transcript NM_025137.4 (MANE Select); coding-DNA position 1775, C replaced by T.
Protein change: p.Ser592Leu; replaces serine 592 with leucine.
Molecular consequence: missense variant.
Genome position (GRCh38, 1-based): chr15:44,629,349, G>A on the plus strand (C>T on the coding strand, the complement: SPG11 is on the minus strand). VCF-style: chr15-44629349-G-A. GRCh37 (hg19) VCF-style: chr15-44921547-G-A.
Other names: c.1775C>T, p.Ser592Leu (NM_001160227.2); short protein forms S592L.
Identifiers: ClinVar variation 655135 (VCV000655135.24), dbSNP rs373796566, ClinGen allele CA7535440.